The following is an entry in ClinVar:

ClinVar aggregate classification (germline): Likely benign. Review status: criteria provided, multiple submitters, no conflicts (2 of 4 stars). 2 submissions from 2 submitters: Likely benign (2). Last evaluated 2025-11-26.

Allele frequency attached by ClinVar (database versions not stated): gnomAD 0.00001; TOPMed 0.00005; ExAC 0.00011; gnomAD exomes 0.00011.
gnomAD v4.1: 63 of 1,606,760 alleles (0.0039%); highest among the groups gnomAD compares: Admixed American, 0.039%; no homozygotes.

Submissions (2):

Labcorp Genetics (formerly Invitae), Labcorp
Classification: Likely benign. Last evaluated: 2025-11-26. Review status: criteria provided, single submitter. Criteria: Invitae Variant Classification Sherloc (09022015). Collection method: clinical testing. Allele origin: germline.

CeGaT Center for Human Genetics Tuebingen
Classification: Likely benign. Last evaluated: 2025-10-01. Review status: criteria provided, single submitter. Criteria: CeGaT Center For Human Genetics Tuebingen Variant Classification Criteria Version 2. Collection method: clinical testing. Allele origin: germline. Affected: yes. Observed: 1 variant allele.
Comment: KCNK4: BP4

NM_033310.3(KCNK4):c.661+8C>T

Genes: KCNK4 (potassium two pore domain channel subfamily K member 4; plus strand), KCNK4-CATSPERZ (KCNK4-CATSPERZ readthrough (NMD candidate); plus strand). Cytogenetic location: 11q13.1.
Variant type: single nucleotide variant.
Coding change: c.661+8C>T on transcript NM_033310.3 (MANE Select); 8 bases into the intron after coding-DNA position 661, C replaced by T.
Molecular consequence: intron variant.
Genome position (GRCh38, 1-based): chr11:64,297,661, C>T. VCF-style: chr11-64297661-C-T. GRCh37 (hg19) VCF-style: chr11-64065133-C-T.
Other names: c.661+8C>T (NM_001317090.2).
Identifiers: ClinVar variation 1595674 (VCV001595674.14), dbSNP rs747909218, ClinGen allele CA6073123.